The following is an entry in ClinVar:

ClinVar aggregate classification (germline): Uncertain significance (1 of 4 stars; one submission).

gnomAD v4.1: 23 of 1,614,062 alleles (0.0014%); highest among the groups gnomAD compares: Non-Finnish European, 0.0018%; no homozygotes.

Submission:

Labcorp Genetics (formerly Invitae), Labcorp
Classification: Uncertain significance. Last evaluated: 2025-08-11. Review status: criteria provided, single submitter. Criteria: Invitae Variant Classification Sherloc (09022015). Collection method: clinical testing. Allele origin: germline.
Comment: This sequence change replaces arginine, which is basic and polar, with cysteine, which is neutral and slightly polar, at codon 2003 of the FLNB protein (p.Arg2003Cys). This variant is present in population databases (rs146579435, gnomAD 0.003%). This variant has not been reported in the literature in individuals affected with FLNB-related conditions. Invitae Evidence Modeling of protein sequence and biophysical properties (such as structural, functional, and spatial information, amino acid conservation, physicochemical variation, residue mobility, and thermodynamic stability) indicates that this missense variant is not expected to disrupt FLNB protein function with a negative predictive value of 95%. In summary, the available evidence is currently insufficient to determine the role of this variant in disease. Therefore, it has been classified as a Variant of Uncertain Significance.

NM_001457.4(FLNB):c.6007C>T (p.Arg2003Cys)

Gene: FLNB (filamin B; plus strand). Cytogenetic location: 3p14.3.
Variant type: single nucleotide variant.
Coding change: c.6007C>T on transcript NM_001457.4 (MANE Select); coding-DNA position 6007, C replaced by T.
Protein change: p.Arg2003Cys; replaces arginine 2003 with cysteine.
Molecular consequence: missense variant.
Genome position (GRCh38, 1-based): chr3:58,148,768, C>T. VCF-style: chr3-58148768-C-T. GRCh37 (hg19) VCF-style: chr3-58134495-C-T.
Other names: c.5974C>T, p.Arg1992Cys (NM_001164318.2); c.5935C>T, p.Arg1979Cys (NM_001164319.2); c.6100C>T, p.Arg2034Cys (NM_001164317.2); short protein forms R1992C, R1979C, R2003C, R2034C.
Identifiers: ClinVar variation 4772486 (VCV004772486.1).